The following is an entry in ClinVar:

ClinVar aggregate classification (germline): Likely pathogenic (1 of 4 stars; one submission).

Conditions:
Primary ciliary dyskinesia. Also called: Ciliary dyskinesia. Identifiers: Orphanet 244, MedGen C0008780, MONDO:0016575, HP:0012265.

Submission:

Labcorp Genetics (formerly Invitae), Labcorp
Classification: Likely pathogenic for Primary ciliary dyskinesia. Last evaluated: 2023-02-28. Review status: criteria provided, single submitter. Criteria: Invitae Variant Classification Sherloc (09022015). Collection method: clinical testing. Allele origin: germline.
Comment: This sequence change affects a donor splice site in intron 62 of the DNAH11 gene. It is expected to disrupt RNA splicing. Variants that disrupt the donor or acceptor splice site typically lead to a loss of protein function (PMID: 16199547), and loss-of-function variants in DNAH11 are known to be pathogenic (PMID: 18022865, 20513915, 22184204). This variant is not present in population databases (gnomAD no frequency). This variant has not been reported in the literature in individuals affected with DNAH11-related conditions. Algorithms developed to predict the effect of sequence changes on RNA splicing suggest that this variant may disrupt the consensus splice site. In summary, the currently available evidence indicates that the variant is pathogenic, but additional data are needed to prove that conclusively. Therefore, this variant has been classified as Likely Pathogenic.

Literature cited by the submitters: PubMed 16199547; PubMed 18022865; PubMed 20513915; PubMed 22184204.

NM_001277115.2(DNAH11):c.10165+1G>A

Gene: DNAH11 (dynein axonemal heavy chain 11; plus strand). Cytogenetic location: 7p15.3.
Variant type: single nucleotide variant.
Coding change: c.10165+1G>A on transcript NM_001277115.2 (MANE Select); the canonical splice donor site of the intron after coding-DNA position 10165, G replaced by A.
Molecular consequence: splice donor variant.
Genome position (GRCh38, 1-based): chr7:21,801,276, G>A. VCF-style: chr7-21801276-G-A. GRCh37 (hg19) VCF-style: chr7-21840894-G-A.
Identifiers: ClinVar variation 2841548 (VCV002841548.3), dbSNP rs2535310959, ClinGen allele CA366944386.